The following is an entry in ClinVar:

NM_000258.3(MYL3):c.157+8G>C

Gene: MYL3 (myosin light chain 3; minus strand). Cytogenetic location: 3p21.31.
Variant type: single nucleotide variant.
Coding change: c.157+8G>C on transcript NM_000258.3 (MANE Select); 8 bases into the intron after coding-DNA position 157, G replaced by C.
Molecular consequence: intron variant.
Genome position (GRCh38, 1-based): chr3:46,860,952, C>G on the plus strand (G>C on the coding strand, the complement: MYL3 is on the minus strand). VCF-style: chr3-46860952-C-G. GRCh37 (hg19) VCF-style: chr3-46902442-C-G.
Identifiers: ClinVar variation 379102 (VCV000379102.12), dbSNP rs777555567, ClinGen allele CA042722.

ClinVar aggregate classification (germline): Benign/Likely benign. Review status: criteria provided, multiple submitters, no conflicts (2 of 4 stars). 3 submissions from 3 submitters: Benign (1); Likely benign (2). Last evaluated 2026-05-08.

Conditions:
MYL3-related disorder. Also called: MYL3-related condition.
Hypertrophic cardiomyopathy. Also called: HYPERTROPHIC MYOCARDIOPATHY. Identifiers: Orphanet 217569, MedGen C0007194, MeSH D002312, MONDO:0005045, HP:0001639.

Allele frequency attached by ClinVar (database versions not stated): TOPMed 0.00016; gnomAD exomes 0.00019 and 0.00009; gnomAD 0.00013; ExAC 0.00014.
gnomAD v4.1: 74 of 1,614,138 alleles (0.0046%); highest among the groups gnomAD compares: Admixed American, 0.12%; no homozygotes.

Submissions (3):

PreventionGenetics, part of Exact Sciences
Classification: Likely benign for MYL3-related condition. Last evaluated: 2026-05-08. Review status: criteria provided, single submitter. Criteria: ACMG Guidelines, 2015. Collection method: clinical testing. Allele origin: germline.
Comment: This variant is classified as likely benign based on ACMG/AMP sequence variant interpretation guidelines (Richards et al. 2015 PMID: 25741868, with internal and published modifications).

Labcorp Genetics (formerly Invitae), Labcorp
Classification: Benign for Hypertrophic cardiomyopathy. Last evaluated: 2025-12-27. Review status: criteria provided, single submitter. Criteria: Invitae Variant Classification Sherloc (09022015). Collection method: clinical testing. Allele origin: germline.

GeneDx
Classification: Likely benign. Last evaluated: 2016-04-28. Review status: criteria provided, single submitter. Criteria: GeneDx Variant Classification (06012015). Collection method: clinical testing. Allele origin: germline. Affected: yes.
Comment: This variant is considered likely benign or benign based on one or more of the following criteria: it is a conservative change, it occurs at a poorly conserved position in the protein, it is predicted to be benign by multiple in silico algorithms, and/or has population frequency not consistent with disease.